The following is an entry in ClinVar:

ClinVar aggregate classification (germline): Uncertain significance (1 of 4 stars; one submission).

Conditions:
Inborn genetic diseases. Identifiers: MedGen C0950123, MeSH D030342.

Submission:

Ambry Genetics
Classification: Uncertain significance for Inborn genetic diseases. Last evaluated: 2025-08-22. Review status: criteria provided, single submitter. Criteria: Ambry Variant Classification Scheme 2023. Collection method: clinical testing. Allele origin: germline.
Comment: The p.V364E variant (also known as c.1091T>A), located in coding exon 8 of the BMPR2 gene, results from a T to A substitution at nucleotide position 1091. The valine at codon 364 is replaced by glutamic acid, an amino acid with dissimilar properties. This amino acid position is conserved. In addition, the in silico prediction for this alteration is inconclusive. Based on the available evidence, the clinical significance of this variant remains unclear.

NM_001204.7(BMPR2):c.1091T>A (p.Val364Glu)

Gene: BMPR2 (bone morphogenetic protein receptor type 2; plus strand). Cytogenetic location: 2q33.2.
Variant type: single nucleotide variant.
Coding change: c.1091T>A on transcript NM_001204.7 (MANE Select); coding-DNA position 1091, T replaced by A.
Protein change: p.Val364Glu; replaces valine 364 with glutamic acid.
Molecular consequence: missense variant.
Genome position (GRCh38, 1-based): chr2:202,530,917, T>A. VCF-style: chr2-202530917-T-A. GRCh37 (hg19) VCF-style: chr2-203395640-T-A.
Other names: short protein forms V364E.
Identifiers: ClinVar variation 4214525 (VCV004214525.1).
Genomic context (GRCh38, chr2:202,530,917, plus strand): 5'-ATGGAACCTGTGTTATTAGTGACTTTGGACTGTCCATGAGGCTGACTGGAAATAGACTGG[T>A]GCGCCCAGGGGAGGAAGATAATGCAGCCATAAGCGAGGTGAGTGTATACAAAAGGTATCA-3'
Protein context (NP_001195.2, residues 354-374): LSMRLTGNRL[Val364Glu]RPGEEDNAAI